The following is an entry in ClinVar:

NM_017841.4(SDHAF2):c.461G>T (p.Arg154Leu)

Gene: SDHAF2 (succinate dehydrogenase complex assembly factor 2; plus strand). Cytogenetic location: 11q12.2.
Variant type: single nucleotide variant.
Coding change: c.461G>T on transcript NM_017841.4 (MANE Select); coding-DNA position 461, G replaced by T.
Protein change: p.Arg154Leu; replaces arginine 154 with leucine.
Molecular consequence: missense variant.
Genome position (GRCh38, 1-based): chr11:61,446,031, G>T. VCF-style: chr11-61446031-G-T. GRCh37 (hg19) VCF-style: chr11-61213503-G-T.
Other names: short protein forms R154L.
Identifiers: ClinVar variation 5029228 (VCV005029228.1).
Genomic context (GRCh38, chr11:61,446,031, plus strand): 5'-ATGAAGTCATGGCCCTGCTGAGAGACTTTGCTAAAAACAAAAACAAAGAGCAGAGACTGC[G>T]TGCCCCAGATCTTGAGTACCTCTTTGAAAAGCCACGTTGAGCTGTGCTCCACGGCCTGGC-3'
Protein context (NP_060311.1, residues 144-164): AKNKNKEQRL[Arg154Leu]APDLEYLFEK

ClinVar aggregate classification (germline): Uncertain significance (1 of 4 stars; one submission).

Conditions:
Hereditary cancer-predisposing syndrome. Also called: Neoplastic Syndromes, Hereditary; Tumor predisposition; Hereditary neoplastic syndrome; Hereditary Cancer Syndrome. Identifiers: Orphanet 140162, MedGen C0027672, MeSH D009386, MONDO:0015356.

Submission:

Ambry Genetics
Classification: Uncertain significance for Hereditary cancer-predisposing syndrome. Last evaluated: 2026-07-06. Review status: criteria provided, single submitter. Criteria: Ambry Variant Classification Scheme 2023. Collection method: clinical testing. Allele origin: germline.
Comment: The p.R154L variant (also known as c.461G>T), located in coding exon 4 of the SDHAF2 gene, results from a G to T substitution at nucleotide position 461. The arginine at codon 154 is replaced by leucine, an amino acid with dissimilar properties. This amino acid position is conserved. In addition, the in silico prediction for this alteration is inconclusive. Based on the available evidence, the clinical significance of this variant remains unclear.